The following is an entry in ClinVar:

ClinVar aggregate classification (germline): Uncertain significance (1 of 4 stars; one submission).

Conditions:
Progressive sclerosing poliodystrophy (MTDPS4A). Also called: ALPERS PROGRESSIVE INFANTILE POLIODYSTROPHY; NEURONAL DEGENERATION OF CHILDHOOD WITH LIVER DISEASE, PROGRESSIVE; Alpers Syndrome; ALPERS DIFFUSE DEGENERATION OF CEREBRAL GRAY MATTER WITH HEPATIC CIRRHOSIS; Alpers-Huttenlocher Syndrome; Mitochondrial DNA depletion syndrome 4A (Alpers type). Identifiers: Orphanet 726, MedGen C0205710, MONDO:0008758, OMIM 203700.

Submission:

Labcorp Genetics (formerly Invitae), Labcorp
Classification: Uncertain significance for Progressive sclerosing poliodystrophy. Last evaluated: 2024-08-05. Review status: criteria provided, single submitter. Criteria: Invitae Variant Classification Sherloc (09022015). Collection method: clinical testing. Allele origin: germline.
Comment: This sequence change replaces alanine, which is neutral and non-polar, with aspartic acid, which is acidic and polar, at codon 508 of the POLG protein (p.Ala508Asp). This variant is not present in population databases (gnomAD no frequency). This variant has not been reported in the literature in individuals affected with POLG-related conditions. Advanced modeling of protein sequence and biophysical properties (such as structural, functional, and spatial information, amino acid conservation, physicochemical variation, residue mobility, and thermodynamic stability) performed at Invitae indicates that this missense variant is not expected to disrupt POLG protein function with a negative predictive value of 95%. In summary, the available evidence is currently insufficient to determine the role of this variant in disease. Therefore, it has been classified as a Variant of Uncertain Significance.

NM_002693.3(POLG):c.1523C>A (p.Ala508Asp)

Gene: POLG (DNA polymerase gamma, catalytic subunit; minus strand). Cytogenetic location: 15q26.1.
Variant type: single nucleotide variant.
Coding change: c.1523C>A on transcript NM_002693.3 (MANE Select); coding-DNA position 1523, C replaced by A.
Protein change: p.Ala508Asp; replaces alanine 508 with aspartic acid.
Molecular consequence: missense variant.
Genome position (GRCh38, 1-based): chr15:89,326,974, G>T on the plus strand (C>A on the coding strand, the complement: POLG is on the minus strand). VCF-style: chr15-89326974-G-T. GRCh37 (hg19) VCF-style: chr15-89870205-G-T.
Other names: c.1523C>A, p.Ala508Asp (NM_001126131.2); short protein forms A508D.
Identifiers: ClinVar variation 3619605 (VCV003619605.2).